The following is an entry in ClinVar:

NM_001376571.1(MADD):c.2739G>T (p.Gln913His)

Gene: MADD (MAP kinase activating death domain; plus strand). Cytogenetic location: 11p11.2.
Variant type: single nucleotide variant.
Coding change: c.2739G>T on transcript NM_001376571.1 (MANE Select); coding-DNA position 2739, G replaced by T.
Protein change: p.Gln913His; replaces glutamine 913 with histidine.
Molecular consequence: missense variant. On other transcripts: non-coding transcript variant (7), intron variant (1).
Genome position (GRCh38, 1-based): chr11:47,289,416, G>T. VCF-style: chr11-47289416-G-T. GRCh37 (hg19) VCF-style: chr11-47310967-G-T.
Other names: c.2610G>T, p.Gln870His (NM_130471.3, NM_001376581.1, NM_001376582.1 and 15 more transcripts); c.2550G>T, p.Gln850His (NM_130472.3, NM_130474.3, NM_001135943.2 and 20 more transcripts); c.2739G>T, p.Gln913His (NM_130473.3, NM_130475.3, NM_001376572.1 and 11 more transcripts); c.2679G>T, p.Gln893His (NM_130476.3, NM_001376575.1, NM_001376576.1 and 13 more transcripts); c.2525-1194G>T (NM_001376662.1); c.2652G>T, p.Gln884His (NM_001376578.1, NM_001376631.1); c.2577G>T, p.Gln859His (NM_001376583.1, NM_001376611.1, NM_001376613.1 and 1 more transcripts); c.2586G>T, p.Gln862His (NM_001376602.1); and 8 more; short protein forms Q671H, Q782H, Q802H, Q816H, Q825H, Q841H, Q845H, Q850H.
Identifiers: ClinVar variation 1700984 (VCV001700984.2), dbSNP rs555151412, ClinGen allele CA5974560.
Genomic context (GRCh38, chr11:47,289,416, plus strand): 5'-AGTGATGTCTCTCATTCCTGCCTTCCCTGCCACAGGAAACAGGAGGGCGTTAGTGGATCA[G>T]AAGTCATCTGTCATTAAACACAGCCCAACAGTGAAAAGAGAACCTCCATCACCCCAGGGT-3'
Protein context (NP_001363500.1, residues 903-923): GEGNRRALVD[Gln913His]KSSVIKHSPT

ClinVar aggregate classification (germline): Uncertain significance (1 of 4 stars; one submission).

Allele frequency attached by ClinVar (database versions not stated): gnomAD 0.00001 and 0.00002; TOPMed 0.00001; gnomAD exomes 0.00002 and 0.00006; ExAC 0.00007; 1000 Genomes Project 0.00020; 1000 Genomes Project 30x 0.00031.
gnomAD v4.1: 31 of 1,614,166 alleles (0.0019%); highest among the groups gnomAD compares: South Asian, 0.027%; no homozygotes.

Submission:

GeneDx
Classification: Uncertain significance. Last evaluated: 2022-02-11. Review status: criteria provided, single submitter. Criteria: GeneDx Variant Classification Process June 2021. Collection method: clinical testing. Allele origin: germline. Affected: yes.
Comment: In silico analysis supports that this missense variant has a deleterious effect on protein structure/function; Has not been previously published as pathogenic or benign to our knowledge